The following is an entry in ClinVar:

ClinVar aggregate classification (germline): Likely pathogenic (1 of 4 stars; one submission).

Conditions:
CEP290-related disorder. Also called: CEP290-related condition; CEP290-related disorders. Identifiers: MedGen CN239314.

Submission:

PreventionGenetics, part of Exact Sciences
Classification: Likely pathogenic for CEP290-related condition. Last evaluated: 2024-11-15. Review status: criteria provided, single submitter. Criteria: ACMG Guidelines, 2015. Collection method: clinical testing. Allele origin: germline.
Comment: The CEP290 c.4702G>T variant is predicted to result in premature protein termination (p.Glu1568*). To our knowledge, this variant has not been reported in the literature or in a large population database (gnomAD), indicating this variant is rare. Nonsense variants in CEP290 are expected to be pathogenic. This variant is interpreted as likely pathogenic.

NM_025114.4(CEP290):c.4702G>T (p.Glu1568Ter)

Gene: CEP290 (centrosomal protein 290; minus strand). Cytogenetic location: 12q21.32.
Variant type: single nucleotide variant.
Coding change: c.4702G>T on transcript NM_025114.4 (MANE Select); coding-DNA position 4702, G replaced by T.
Protein change: p.Glu1568Ter; replaces glutamic acid 1568 with a stop codon.
Molecular consequence: nonsense.
Genome position (GRCh38, 1-based): chr12:88,084,588, C>A on the plus strand (G>T on the coding strand, the complement: CEP290 is on the minus strand). VCF-style: chr12-88084588-C-A. GRCh37 (hg19) VCF-style: chr12-88478365-C-A.
Other names: short protein forms E1568*.
Identifiers: ClinVar variation 5001477 (VCV005001477.1).